The following is an entry in ClinVar:

NM_004183.4(BEST1):c.715-18TCC[10]

Gene: BEST1 (bestrophin 1; plus strand). Cytogenetic location: 11q12.3.
Variant type: Microsatellite.
Coding change: c.715-18TCC[10] on transcript NM_004183.4 (MANE Select); ten copies in a row of the 3-base unit TCC starting at c.715-18; the reference has five copies in a row; five copies, 15 bases duplicated.
Molecular consequence: intron variant.
Genome position (GRCh38, 1-based): chr11:61,958,128-61,958,142, TCCTCCTCCTCCTCC duplicated. VCF-style (leftmost placement, unchanged base first): chr11-61958127-A-ATCCTCCTCCTCCTCC. GRCh37 (hg19) VCF-style: chr11-61725599-A-ATCCTCCTCCTCCTCC.
Other names: c.715-18TCC[10] (NM_001363592.2, NM_001440571.1, NM_001440572.1); c.714+664TCC[10] (NM_001440573.1); c.535-18TCC[10] (NM_001139443.3, NM_001300787.2, NM_001440574.1 and 1 more transcripts); c.534+664TCC[10] (NM_001440575.1, NM_001440576.1); c.-461-18TCC[10] (NM_001363593.3); c.397-18TCC[10] (NM_001363591.3).
Identifiers: ClinVar variation 1921949 (VCV001921949.8), dbSNP rs1805182, ClinGen allele CA599795937.

ClinVar aggregate classification (germline): Likely benign. Review status: criteria provided, multiple submitters, no conflicts (2 of 4 stars). 3 submissions from 3 submitters: Likely benign (2). 1 of the submissions does not count toward it. Last evaluated 2023-12-09.

Conditions:
BEST1-related disorder. Also called: BEST1-related condition; BEST1-related disorders. Identifiers: MedGen CN239200.

Submissions (3):

Labcorp Genetics (formerly Invitae), Labcorp
Classification: Likely benign. Last evaluated: 2023-12-09. Review status: criteria provided, single submitter. Criteria: Invitae Variant Classification Sherloc (09022015). Collection method: clinical testing. Allele origin: germline.

Blueprint Genetics
Classification: Likely benign. Last evaluated: 2022-01-11. Review status: criteria provided, single submitter. Criteria: ACMG Guidelines, 2015. Collection method: clinical testing. Allele origin: germline.

PreventionGenetics, part of Exact Sciences
Classification: Likely benign for BEST1-related condition. Last evaluated: 2022-08-05. Review status: no assertion criteria provided. Collection method: clinical testing. Allele origin: germline. Not counted in ClinVar's aggregate classification.
Comment: This variant is classified as likely benign based on ACMG/AMP sequence variant interpretation guidelines (Richards et al. 2015 PMID: 25741868, with internal and published modifications).